The following is an entry in ClinVar:

ClinVar aggregate classification (germline): Likely benign (1 of 4 stars; one submission).

Allele frequency attached by ClinVar (database versions not stated): 1000 Genomes Project 0.00180; 1000 Genomes Project 30x 0.00203; TOPMed 0.00367; ExAC 0.00387; ESP Exome Variant Server 0.00438.
gnomAD v4.1: 7,304 of 1,611,966 alleles (0.45%); highest among the groups gnomAD compares: Middle Eastern, 0.86%; 35 homozygotes.

Submission:

CeGaT Center for Human Genetics Tuebingen
Classification: Likely benign. Last evaluated: 2023-01-01. Review status: criteria provided, single submitter. Criteria: CeGaT Center For Human Genetics Tuebingen Variant Classification Criteria Version 2. Collection method: clinical testing. Allele origin: germline. Affected: yes. Observed: 4 variant alleles.
Comment: TOM1: BP4, BP7, BS2

NM_005488.3(TOM1):c.1455T>C (p.Asp485=)

Gene: TOM1 (target of myb1 membrane trafficking protein; plus strand). Cytogenetic location: 22q12.3.
Variant type: single nucleotide variant.
Coding change: c.1455T>C on transcript NM_005488.3 (MANE Select); coding-DNA position 1455, T replaced by C.
Protein change: p.Asp485=; no amino-acid change (aspartic acid 485 retained).
Molecular consequence: synonymous variant. On other transcripts: non-coding transcript variant (3).
Genome position (GRCh38, 1-based): chr22:35,347,185, T>C. VCF-style: chr22-35347185-T-C. GRCh37 (hg19) VCF-style: chr22-35743178-T-C.
Other names: c.1359T>C, p.Asp453= (NM_001135729.2); c.1320T>C, p.Asp440= (NM_001135730.2); c.1458T>C, p.Asp486= (NM_001135732.2).
Identifiers: ClinVar variation 2653092 (VCV002653092.24), dbSNP rs140465923, ClinGen allele CA10204563.